The following is an entry in ClinVar:

ClinVar aggregate classification (germline): Uncertain significance. Review status: criteria provided, multiple submitters, no conflicts (2 of 4 stars). 2 submissions from 2 submitters: Uncertain significance (2). Last evaluated 2025-07-03.

Conditions:
Pseudohypoaldosteronism, type IB3, autosomal recessive (PHA1B3). Identifiers: MedGen C5774256, MONDO:0859318, OMIM 620126.
Bronchiectasis with or without elevated sweat chloride 3 (BESC3). Identifiers: Orphanet 60033, MedGen C2751324, MONDO:0013112, OMIM 613071.
Liddle syndrome 2. Identifiers: MedGen C4748251, MONDO:0020854, OMIM 618114.

gnomAD v4.1: 44 of 1,613,978 alleles (0.0027%); highest among the groups gnomAD compares: East Asian, 0.091%; no homozygotes.

Submissions (2):

Labcorp Genetics (formerly Invitae), Labcorp
Classification: Uncertain significance. Last evaluated: 2025-07-03. Review status: criteria provided, single submitter. Criteria: Invitae Variant Classification Sherloc (09022015). Collection method: clinical testing. Allele origin: germline.
Comment: This sequence change replaces leucine, which is neutral and non-polar, with glutamine, which is neutral and polar, at codon 438 of the SCNN1G protein (p.Leu438Gln). This variant is present in population databases (rs756463117, gnomAD 0.1%). This missense change has been observed in individual(s) with salt-sensitive blood pressure (PMID: 27582106). ClinVar contains an entry for this variant (Variation ID: 3579926). Invitae Evidence Modeling of protein sequence and biophysical properties (such as structural, functional, and spatial information, amino acid conservation, physicochemical variation, residue mobility, and thermodynamic stability) has been performed for this missense variant. However, the output from this modeling did not meet the statistical confidence thresholds required to predict the impact of this variant on SCNN1G protein function. Experimental studies have shown that this missense change affects SCNN1G function (PMID: 27582106). In summary, the available evidence is currently insufficient to determine the role of this variant in disease. Therefore, it has been classified as a Variant of Uncertain Significance.

Fulgent Genetics
Classification: Uncertain significance for Bronchiectasis with or without elevated sweat chloride 3; Liddle syndrome 2; Pseudohypoaldosteronism, type IB3, autosomal recessive. Last evaluated: 2024-04-03. Review status: criteria provided, single submitter. Criteria: ACMG Guidelines, 2015. Collection method: clinical testing. Allele origin: germline.

Literature cited by the submitters: PubMed 27582106 (cited by Labcorp Genetics (formerly Invitae), Labcorp).

NM_001039.4(SCNN1G):c.1313T>A (p.Leu438Gln)

Gene: SCNN1G (sodium channel epithelial 1 subunit gamma; plus strand). Cytogenetic location: 16p12.2.
Variant type: single nucleotide variant.
Coding change: c.1313T>A on transcript NM_001039.4 (MANE Select); coding-DNA position 1313, T replaced by A.
Protein change: p.Leu438Gln; replaces leucine 438 with glutamine.
Molecular consequence: missense variant.
Genome position (GRCh38, 1-based): chr16:23,212,696, T>A. VCF-style: chr16-23212696-T-A. GRCh37 (hg19) VCF-style: chr16-23224017-T-A.
Other names: short protein forms L438Q.
Identifiers: ClinVar variation 3579926 (VCV003579926.2).